The following is an entry in ClinVar:

ClinVar aggregate classification (germline): Benign/Likely benign. Review status: criteria provided, multiple submitters, no conflicts (2 of 4 stars). 5 submissions from 5 submitters: Benign (4); Likely benign (1). Last evaluated 2025-08-01.

Conditions:
GRN-related frontotemporal lobar degeneration with Tdp43 inclusions (FTD2). Also called: DEMENTIA, HEREDITARY DYSPHASIC DISINHIBITION; FRONTOTEMPORAL DEMENTIA WITH TDP43 INCLUSIONS, GRN-RELATED; GRN Frontotemporal Dementia; FRONTOTEMPORAL LOBAR DEGENERATION WITH UBIQUITIN-POSITIVE INCLUSIONS; FTLD-TDP, GRN-RELATED. Identifiers: Orphanet 100070, Orphanet 282, MedGen C1843792, MONDO:0011842, OMIM 607485. Disease mechanism: loss of function.
Neuronal ceroid lipofuscinosis 11. Also called: GRN-Related Neuronal Ceroid-Lipofuscinosis. Identifiers: Orphanet 314629, Orphanet 79262, MedGen C3539123, MONDO:0013866, OMIM 614706.

Allele frequency attached by ClinVar (database versions not stated): gnomAD 0.00599 and 0.00635; 1000 Genomes Project 0.00639; TOPMed 0.00661; 1000 Genomes Project 30x 0.00734.

Submissions (5):

CeGaT Center for Human Genetics Tuebingen
Classification: Benign. Last evaluated: 2025-08-01. Review status: criteria provided, single submitter. Criteria: CeGaT Center For Human Genetics Tuebingen Variant Classification Criteria Version 2. Collection method: clinical testing. Allele origin: germline. Affected: yes. Observed: 6 variant alleles.
Comment: GRN: BS1, BS2

Mayo Clinic Laboratories, Mayo Clinic
Classification: Benign. Last evaluated: 2025-03-12. Review status: criteria provided, single submitter. Criteria: ACMG Guidelines, 2015. Collection method: clinical testing. Allele origin: germline. Observed: 1 variant allele.
Comment: BA1

Labcorp Genetics (formerly Invitae), Labcorp
Classification: Benign for Neuronal ceroid lipofuscinosis 11; GRN-related frontotemporal lobar degeneration with Tdp43 inclusions. Last evaluated: 2022-07-06. Review status: criteria provided, single submitter. Criteria: Invitae Variant Classification Sherloc (09022015). Collection method: clinical testing. Allele origin: germline.

Eurofins Ntd Llc (ga)
Classification: Benign. Last evaluated: 2018-04-03. Review status: criteria provided, single submitter. Criteria: EGL ClinVar v180209 classification definitions. Collection method: clinical testing. Allele origin: germline. Observed: 1 variant allele, 1 heterozygote.

Illumina Laboratory Services, Illumina
Classification: Likely benign for GRN-related frontotemporal lobar degeneration with Tdp43 inclusions. Last evaluated: 2017-04-27. Review status: criteria provided, single submitter. Criteria: ICSL Variant Classification Criteria 13 December 2019. Collection method: clinical testing. Allele origin: germline.
Comment: This variant was observed as part of a predisposition screen in an ostensibly healthy population. A literature search was performed for the gene, cDNA change, and amino acid change (where applicable). No publications were found based on this search. Allele frequency data from public databases allowed determination this variant is unlikely to cause disease. Therefore, this variant is classified as likely benign.

Literature cited by the submitters: PubMed 17345602 (cited by Mayo Clinic Laboratories, Mayo Clinic); PubMed 23315997 (cited by Mayo Clinic Laboratories, Mayo Clinic); PubMed 30530974 (cited by Mayo Clinic Laboratories, Mayo Clinic); PubMed 34620513 (cited by Mayo Clinic Laboratories, Mayo Clinic).

NM_002087.4(GRN):c.-72G>T

Gene: GRN (granulin precursor; plus strand). Cytogenetic location: 17q21.31.
Variant type: single nucleotide variant.
Coding change: c.-72G>T on transcript NM_002087.4 (MANE Select); 72 bases upstream of the start codon, G replaced by T.
Genome position (GRCh38, 1-based): chr17:44,345,270, G>T. VCF-style: chr17-44345270-G-T. GRCh37 (hg19) VCF-style: chr17-42422638-G-T.
Other names: p.=.
Identifiers: ClinVar variation 323529 (VCV000323529.41), dbSNP rs76783532, ClinGen allele CA10639808.
Genomic context (GRCh38, chr17:44,345,270, plus strand): 5'-CAATGGGAGCGGGTAGCCCTGATCCCTGGCCAATGGAAACTGAGGTAGGCGGGTCATCGC[G>T]CTGGGGTCTGTAGTCTGAGCGCTACCCGGTTGCTGCTGCCCAAGGACCGCGGAGTCGGAC-3'